The following is an entry in ClinVar:

ClinVar aggregate classification (germline): Uncertain significance. Review status: criteria provided, multiple submitters, no conflicts (2 of 4 stars). 2 submissions from 2 submitters: Uncertain significance (2). Last evaluated 2021-12-11.

Conditions:
Hereditary nonpolyposis colorectal neoplasms. Identifiers: MedGen C0009405, MeSH D003123.
Hereditary cancer-predisposing syndrome. Also called: Neoplastic Syndromes, Hereditary; Tumor predisposition; Hereditary Cancer Syndrome; Hereditary neoplastic syndrome. Identifiers: Orphanet 140162, MedGen C0027672, MeSH D009386, MONDO:0015356.

Submissions (2):

Labcorp Genetics (formerly Invitae), Labcorp
Classification: Uncertain significance for Hereditary nonpolyposis colorectal neoplasms. Last evaluated: 2021-12-11. Review status: criteria provided, single submitter. Criteria: Invitae Variant Classification Sherloc (09022015). Collection method: clinical testing. Allele origin: germline.
Comment: In summary, the available evidence is currently insufficient to determine the role of this variant in disease. Therefore, it has been classified as a Variant of Uncertain Significance. Advanced modeling of protein sequence and biophysical properties (such as structural, functional, and spatial information, amino acid conservation, physicochemical variation, residue mobility, and thermodynamic stability) performed at Invitae indicates that this missense variant is not expected to disrupt MSH6 protein function. This missense change has been observed in individual(s) with colon cancer (PMID: 19685280). This variant is not present in population databases (gnomAD no frequency). This sequence change replaces arginine, which is basic and polar, with glycine, which is neutral and non-polar, at codon 635 of the MSH6 protein (p.Arg635Gly).

Ambry Genetics
Classification: Uncertain significance for Hereditary cancer-predisposing syndrome. Last evaluated: 2021-08-03. Review status: criteria provided, single submitter. Criteria: Ambry Variant Classification Scheme 2023. Collection method: clinical testing. Allele origin: germline.
Comment: The p.R635G variant (also known as c.1903A>G), located in coding exon 4 of the MSH6 gene, results from an A to G substitution at nucleotide position 1903. The arginine at codon 635 is replaced by glycine, an amino acid with dissimilar properties. This amino acid position is not well conserved in available vertebrate species. In addition, the in silico prediction for this alteration is inconclusive. Since supporting evidence is limited at this time, the clinical significance of this alteration remains unclear.

Literature cited by the submitters: PubMed 19685280 (cited by Labcorp Genetics (formerly Invitae), Labcorp and Ambry Genetics).

NM_000179.3(MSH6):c.1903A>G (p.Arg635Gly)

Gene: MSH6 (mutS homolog 6; plus strand). Cytogenetic location: 2p16.3.
Variant type: single nucleotide variant.
Coding change: c.1903A>G on transcript NM_000179.3 (MANE Select); coding-DNA position 1903, A replaced by G.
Protein change: p.Arg635Gly; replaces arginine 635 with glycine.
Molecular consequence: missense variant.
Genome position (GRCh38, 1-based): chr2:47,799,886, A>G. VCF-style: chr2-47799886-A-G. GRCh37 (hg19) VCF-style: chr2-48027025-A-G.
Other names: c.1513A>G, p.Arg505Gly (NM_001281492.2); c.997A>G, p.Arg333Gly (NM_001281493.2, NM_001281494.2, NM_001406811.1 and 6 more transcripts); c.1999A>G, p.Arg667Gly (NM_001406795.1, NM_001406802.1); c.1903A>G, p.Arg635Gly (NM_001406796.1, NM_001406798.1, NM_001406800.1 and 3 more transcripts); c.1606A>G, p.Arg536Gly (NM_001406797.1, NM_001406801.1, NM_001406805.1 and 10 more transcripts); c.1378A>G, p.Arg460Gly (NM_001406799.1, NM_001406806.1, NM_001406807.1); c.1825A>G, p.Arg609Gly (NM_001406804.1); c.1909A>G, p.Arg637Gly (NM_001406813.1); and 1 more; short protein forms R460G, R536G, R635G, R637G, R579G, R505G, R333G, R609G.
Identifiers: ClinVar variation 1782344 (VCV001782344.7), dbSNP rs2104375004, ClinGen allele CA346750123.